The following is an entry in ClinVar:

NM_004369.4(COL6A3):c.32C>T (p.Ala11Val)

Gene: COL6A3 (collagen type VI alpha 3 chain; minus strand). Cytogenetic location: 2q37.3.
Variant type: single nucleotide variant.
Coding change: c.32C>T on transcript NM_004369.4 (MANE Select); coding-DNA position 32, C replaced by T.
Protein change: p.Ala11Val; replaces alanine 11 with valine.
Molecular consequence: missense variant.
Genome position (GRCh38, 1-based): chr2:237,396,786, G>A on the plus strand (C>T on the coding strand, the complement: COL6A3 is on the minus strand). VCF-style: chr2-237396786-G-A. GRCh37 (hg19) VCF-style: chr2-238305429-G-A.
Other names: c.32C>T, p.Ala11Val (NM_057164.5, NM_057165.5, NM_057166.5 and 1 more transcripts); short protein forms A11V.
Identifiers: ClinVar variation 2147352 (VCV002147352.4), dbSNP rs1418824605, ClinGen allele CA351229260.

ClinVar aggregate classification (germline): Uncertain significance (1 of 4 stars; one submission).

Conditions:
Bethlem myopathy 1A. Also called: Bethlem Muscular Dystrophy; Bethlem myopathy 1; MYOPATHY, BENIGN CONGENITAL, WITH CONTRACTURES. Identifiers: Orphanet 610, MedGen CN029274, MONDO:0024530, OMIM 158810.

Allele frequency attached by ClinVar (database versions not stated): gnomAD exomes below 0.00001.
gnomAD v4.1: 1 of 1,614,176 alleles (0.000062%); highest among the groups gnomAD compares: Non-Finnish European, 0.000085%; no homozygotes.

Submission:

Labcorp Genetics (formerly Invitae), Labcorp
Classification: Uncertain significance for Bethlem myopathy 1A. Last evaluated: 2022-06-01. Review status: criteria provided, single submitter. Criteria: Invitae Variant Classification Sherloc (09022015). Collection method: clinical testing. Allele origin: germline.
Comment: This sequence change replaces alanine, which is neutral and non-polar, with valine, which is neutral and non-polar, at codon 11 of the COL6A3 protein (p.Ala11Val). This variant is present in population databases (no rsID available, gnomAD 0.0009%). This variant has not been reported in the literature in individuals affected with COL6A3-related conditions. Advanced modeling of protein sequence and biophysical properties (such as structural, functional, and spatial information, amino acid conservation, physicochemical variation, residue mobility, and thermodynamic stability) performed at Invitae indicates that this missense variant is not expected to disrupt COL6A3 protein function. In summary, the available evidence is currently insufficient to determine the role of this variant in disease. Therefore, it has been classified as a Variant of Uncertain Significance.